The following is an entry in ClinVar:

ClinVar aggregate classification (germline): Uncertain significance (1 of 4 stars; one submission).

Conditions:
Familial temporal lobe epilepsy 7. Identifiers: Orphanet 101046, MedGen C4225327, MONDO:0014639, OMIM 616436.
Norman-Roberts syndrome (LIS2). Also called: Lissencephaly 2 (Norman-Roberts type). Identifiers: Orphanet 89844, MedGen C0796089, MONDO:0009760, OMIM 257320.

Allele frequency attached by ClinVar (database versions not stated): gnomAD exomes below 0.00001.

Submission:

Labcorp Genetics (formerly Invitae), Labcorp
Classification: Uncertain significance for Familial temporal lobe epilepsy 7; Norman-Roberts syndrome. Last evaluated: 2022-01-15. Review status: criteria provided, single submitter. Criteria: Invitae Variant Classification Sherloc (09022015). Collection method: clinical testing. Allele origin: germline.
Comment: ClinVar contains an entry for this variant (Variation ID: 576033). In summary, the available evidence is currently insufficient to determine the role of this variant in disease. Therefore, it has been classified as a Variant of Uncertain Significance. Algorithms developed to predict the effect of missense changes on protein structure and function are either unavailable or do not agree on the potential impact of this missense change (SIFT: "Deleterious"; PolyPhen-2: "Benign"; Align-GVGD: "Class C0"). This variant has not been reported in the literature in individuals affected with RELN-related conditions. This variant is not present in population databases (gnomAD no frequency). This sequence change replaces arginine, which is basic and polar, with glycine, which is neutral and non-polar, at codon 541 of the RELN protein (p.Arg541Gly).

NM_005045.4(RELN):c.1621A>G (p.Arg541Gly)

Gene: RELN (reelin; minus strand). Cytogenetic location: 7q22.1.
Variant type: single nucleotide variant.
Coding change: c.1621A>G on transcript NM_005045.4 (MANE Select); coding-DNA position 1621, A replaced by G.
Protein change: p.Arg541Gly; replaces arginine 541 with glycine.
Molecular consequence: missense variant.
Genome position (GRCh38, 1-based): chr7:103,652,693, T>C on the plus strand (A>G on the coding strand, the complement: RELN is on the minus strand). VCF-style: chr7-103652693-T-C. GRCh37 (hg19) VCF-style: chr7-103293140-T-C.
Other names: c.1621A>G, p.Arg541Gly (NM_173054.3); short protein forms R541G.
Identifiers: ClinVar variation 576033 (VCV000576033.8), dbSNP rs1562941047, ClinGen allele CA368765824.
Genomic context (GRCh38, chr7:103,652,693, plus strand): 5'-AGACATGGAAAAAGTCTACAGCCCAGACATTCCTATTATGTCCTTGATGGTTCTTTTGCC[T>C]GAGACAAAATTTGGTAGCAGGAGTCTGAAGTTCAGGATTGATGACCACAGAAACCAAAGA-3'
Protein context (NP_005036.2, residues 531-551): LQTPATKFCL[Arg541Gly]QKNHQGHNRN